The following is an entry in ClinVar:

ClinVar aggregate classification (germline): Benign/Likely benign. Review status: criteria provided, multiple submitters, no conflicts (2 of 4 stars). 4 submissions from 4 submitters: Benign (1); Likely benign (3). Last evaluated 2025-06-20.

Conditions:
Juvenile polyposis syndrome (JPS). Identifiers: Orphanet 2929, MedGen C0345893, MONDO:0017380, OMIM 174900.
Hereditary cancer-predisposing syndrome. Also called: Hereditary neoplastic syndrome; Tumor predisposition; Neoplastic Syndromes, Hereditary; Hereditary Cancer Syndrome. Identifiers: Orphanet 140162, MedGen C0027672, MeSH D009386, MONDO:0015356.
Familial thoracic aortic aneurysm and aortic dissection (TAAD). Also called: Thoracic aortic aneurysms and dissections. Identifiers: Orphanet 91387, MedGen C4707243, MONDO:0019625.
Juvenile polyposis/hereditary hemorrhagic telangiectasia syndrome (JPHT). Also called: Juvenile Polyposis Syndrome / Hereditary Hemorrhagic Telangiectasia (JPS/HHT); JP/HHT SYNDROME; JUVENILE POLYPOSIS WITH HEREDITARY HEMORRHAGIC TELANGIECTASIA; POLYPOSIS, GENERALIZED JUVENILE, WITH PULMONARY ARTERIOVENOUS MALFORMATION; TELANGIECTASIA, HEREDITARY HEMORRHAGIC, WITH JUVENILE POLYPOSIS COLI. Identifiers: Orphanet 2929, MedGen C1832942, MONDO:0008278, OMIM 175050.

Allele frequency attached by ClinVar (database versions not stated): gnomAD exomes below 0.00001; TOPMed below 0.00001.
gnomAD v4.1: 2 of 1,614,102 alleles (0.00012%); highest among the groups gnomAD compares: Non-Finnish European, 0.00017%; no homozygotes.

Submissions (4):

Labcorp Genetics (formerly Invitae), Labcorp
Classification: Likely benign for Juvenile polyposis syndrome. Last evaluated: 2025-06-20. Review status: criteria provided, single submitter. Criteria: Invitae Variant Classification Sherloc (09022015). Collection method: clinical testing. Allele origin: germline.

Myriad Genetics, Inc.
Classification: Benign for Juvenile polyposis/hereditary hemorrhagic telangiectasia syndrome. Last evaluated: 2025-03-18. Review status: criteria provided, single submitter. Criteria: Myriad Autosomal Dominant, Autosomal Recessive and X-Linked Classification Criteria (2023). Collection method: clinical testing. Allele origin: unknown.
Comment: This variant is considered benign. This variant is a silent/synonymous amino acid change and it is not expected to impact splicing.

Color Diagnostics, LLC DBA Color Health
Classification: Likely benign for Hereditary cancer-predisposing syndrome. Last evaluated: 2019-03-26. Review status: criteria provided, single submitter. Criteria: ACMG Guidelines, 2015. Collection method: clinical testing. Allele origin: germline.

Ambry Genetics
Classification: Likely benign for Hereditary cancer-predisposing syndrome; Familial thoracic aortic aneurysm and aortic dissection. Last evaluated: 2016-09-07. Review status: criteria provided, single submitter. Criteria: Ambry Variant Classification Scheme 2023. Collection method: clinical testing. Allele origin: germline.

NM_005359.6(SMAD4):c.372T>C (p.Asp124=)

Gene: SMAD4 (SMAD family member 4; plus strand). Cytogenetic location: 18q21.2.
Variant type: single nucleotide variant.
Coding change: c.372T>C on transcript NM_005359.6 (MANE Select); coding-DNA position 372, T replaced by C.
Protein change: p.Asp124=; no amino-acid change (aspartic acid 124 retained).
Molecular consequence: synonymous variant.
Genome position (GRCh38, 1-based): chr18:51,048,808, T>C. VCF-style: chr18-51048808-T-C. GRCh37 (hg19) VCF-style: chr18-48575178-T-C.
Identifiers: ClinVar variation 484807 (VCV000484807.20), dbSNP rs1555685178, ClinGen allele CA503873605.